The following is an entry in ClinVar:

NM_001135254.2(PAX7):c.21G>T (p.Thr7=)

Genes: PAX7 (paired box 7; plus strand), LOC108254694 (PAX7 promoter region; plus strand). Cytogenetic location: 1p36.13.
Variant type: single nucleotide variant.
Coding change: c.21G>T on transcript NM_001135254.2 (MANE Select); coding-DNA position 21, G replaced by T.
Protein change: p.Thr7=; no amino-acid change (threonine 7 retained).
Molecular consequence: synonymous variant.
Genome position (GRCh38, 1-based): chr1:18,631,624, G>T. VCF-style: chr1-18631624-G-T. GRCh37 (hg19) VCF-style: chr1-18958118-G-T.
Other names: c.21G>T, p.Thr7= (NM_002584.3, NM_013945.3).
Identifiers: ClinVar variation 2638400 (VCV002638400.24), dbSNP rs144835222, ClinGen allele CA645518.

ClinVar aggregate classification (germline): Likely benign (1 of 4 stars; one submission).

gnomAD v4.1: 153 of 1,612,696 alleles (0.0095%); highest among the groups gnomAD compares: South Asian, 0.074%; no homozygotes.

Submission:

CeGaT Center for Human Genetics Tuebingen
Classification: Likely benign. Last evaluated: 2023-03-01. Review status: criteria provided, single submitter. Criteria: CeGaT Center For Human Genetics Tuebingen Variant Classification Criteria Version 2. Collection method: clinical testing. Allele origin: germline. Affected: yes. Observed: 1 variant allele.
Comment: PAX7: BP4, BP7